The following is an entry in ClinVar:

ClinVar aggregate classification (germline): Benign. Review status: criteria provided, single submitter (1 of 4 stars). 2 submissions from 2 submitters: Benign (1). 1 of the submissions does not count toward it. Last evaluated 2025-04-10.

Conditions:
SCARB2-related disorder. Also called: SCARB2-related condition.
Progressive myoclonic epilepsy. Also called: Myoclonic Epilepsies, Progressive; Familial progressive myoclonic epilepsy; Myoclonus epilepsy; Progressive myoclonus epilepsy. Identifiers: Orphanet 308, Orphanet 98261, MedGen C0751778, MONDO:0020074.

Allele frequency attached by ClinVar (database versions not stated): TOPMed below 0.00001; gnomAD 0.00003; gnomAD exomes 0.00010 and 0.00026; ExAC 0.00026.
gnomAD v4.1: 152 of 1,613,290 alleles (0.0094%); highest among the groups gnomAD compares: South Asian, 0.16%; 2 homozygotes.

Submissions (2):

Labcorp Genetics (formerly Invitae), Labcorp
Classification: Benign for Progressive myoclonic epilepsy. Last evaluated: 2025-04-10. Review status: criteria provided, single submitter. Criteria: Invitae Variant Classification Sherloc (09022015). Collection method: clinical testing. Allele origin: germline.

PreventionGenetics, part of Exact Sciences
Classification: Likely benign for SCARB2-related condition. Last evaluated: 2019-11-27. Review status: no assertion criteria provided. Collection method: clinical testing. Allele origin: germline. Not counted in ClinVar's aggregate classification.
Comment: This variant is classified as likely benign based on ACMG/AMP sequence variant interpretation guidelines (Richards et al. 2015 PMID: 25741868, with internal and published modifications).

NM_005506.4(SCARB2):c.275+7C>T

Gene: SCARB2 (scavenger receptor class B member 2; minus strand). Cytogenetic location: 4q21.1.
Variant type: single nucleotide variant.
Coding change: c.275+7C>T on transcript NM_005506.4 (MANE Select); 7 bases into the intron after coding-DNA position 275, C replaced by T.
Molecular consequence: intron variant.
Genome position (GRCh38, 1-based): chr4:76,195,700, G>A on the plus strand (C>T on the coding strand, the complement: SCARB2 is on the minus strand). VCF-style: chr4-76195700-G-A. GRCh37 (hg19) VCF-style: chr4-77116853-G-A.
Other names: c.275+7C>T (NM_005506.3, NM_001204255.2).
Identifiers: ClinVar variation 1621731 (VCV001621731.10), dbSNP rs777137419, ClinGen allele CA2970382.
Genomic context (GRCh38, chr4:76,195,700, plus strand): 5'-GCAAGGACTCAGGCCATATTGGGGTCACTCTGTATTTCTTTCAAGACAGGAGGTGGTCAA[G>A]ACTTACCTGTAGGTGTATGGCCCCACTTCTTCCACCCGAGGGGTCTCCCCTCTGAGGATC-3'